The following is an entry in ClinVar:

NM_020831.6(MRTFA):c.2257G>A (p.Val753Ile)

Gene: MRTFA (myocardin related transcription factor A; minus strand). Cytogenetic location: 22q13.1.
Variant type: single nucleotide variant.
Coding change: c.2257G>A on transcript NM_020831.6 (MANE Select); coding-DNA position 2257, G replaced by A.
Protein change: p.Val753Ile; replaces valine 753 with isoleucine.
Molecular consequence: missense variant.
Genome position (GRCh38, 1-based): chr22:40,418,481, C>T on the plus strand (G>A on the coding strand, the complement: MRTFA is on the minus strand). VCF-style: chr22-40418481-C-T. GRCh37 (hg19) VCF-style: chr22-40814485-C-T.
Other names: c.1957G>A, p.Val653Ile (NM_001282660.2); c.2107G>A, p.Val703Ile (NM_001282661.3); c.2257G>A, p.Val753Ile (NM_001282662.3); c.2062G>A, p.Val688Ile (NM_001318139.2); short protein forms V653I, V688I, V703I, V753I.
Identifiers: ClinVar variation 2070988 (VCV002070988.4), dbSNP rs752706673, ClinGen allele CA10249398.
Genomic context (GRCh38, chr22:40,418,481, plus strand): 5'-TGGTCACGGTGAGGACAAGGTGGGTCCCTGTGGAGTCGGTGATGAGGGTGGGAGGTGCAA[C>T]CCCCTTGATGAGGCTGGGGCCCTGAGGCCCCAGAAGCAACTGGGGGGCGGGGACCGGCTC-3'
Protein context (NP_065882.2, residues 743-763): GPQGPSLIKG[Val753Ile]APPTLITDST

ClinVar aggregate classification (germline): Uncertain significance (1 of 4 stars; one submission).

gnomAD v4.1: 18 of 1,613,064 alleles (0.0011%); highest among the groups gnomAD compares: Non-Finnish European, 0.0015%; no homozygotes.

Submission:

Labcorp Genetics (formerly Invitae), Labcorp
Classification: Uncertain significance. Last evaluated: 2025-09-25. Review status: criteria provided, single submitter. Criteria: Invitae Variant Classification Sherloc (09022015). Collection method: clinical testing. Allele origin: germline.
Comment: This sequence change replaces valine, which is neutral and non-polar, with isoleucine, which is neutral and non-polar, at codon 653 of the MKL1 protein (p.Val653Ile). The frequency data for this variant in the population databases is considered unreliable, as metrics indicate poor data quality at this position in the gnomAD database. This variant has not been reported in the literature in individuals affected with MKL1-related conditions. ClinVar contains an entry for this variant (Variation ID: 2070988). An algorithm developed to predict the effect of missense changes on protein structure and function outputs the following: PolyPhen-2: "Benign". The isoleucine amino acid residue is found in multiple mammalian species, which suggests that this missense change does not adversely affect protein function. In summary, the available evidence is currently insufficient to determine the role of this variant in disease. Therefore, it has been classified as a Variant of Uncertain Significance.